The following is an entry in ClinVar:

ClinVar aggregate classification (germline): Uncertain significance (1 of 4 stars; one submission).

gnomAD v4.1: 58 of 1,610,188 alleles (0.0036%); highest among the groups gnomAD compares: East Asian, 0.078%; no homozygotes.

Submission:

Mayo Clinic Laboratories, Mayo Clinic
Classification: Uncertain significance. Last evaluated: 2025-10-09. Review status: criteria provided, single submitter. Criteria: ACMG Guidelines, 2015. Collection method: clinical testing. Allele origin: germline. Observed: 1 variant allele.
Comment: BS2

Literature cited by the submitters: PubMed 27694260; PubMed 37952009; PubMed 38717009.

NM_031157.4(HNRNPA1):c.847G>A (p.Gly283Arg)

Gene: HNRNPA1 (heterogeneous nuclear ribonucleoprotein A1; plus strand). Cytogenetic location: 12q13.13.
Variant type: single nucleotide variant.
Coding change: c.847G>A on transcript NM_031157.4 (MANE Select); coding-DNA position 847, G replaced by A.
Protein change: p.Gly283Arg; replaces glycine 283 with arginine.
Molecular consequence: missense variant. On other transcripts: intron variant (1).
Genome position (GRCh38, 1-based): chr12:54,283,174, G>A. VCF-style: chr12-54283174-G-A. GRCh37 (hg19) VCF-style: chr12-54676958-G-A.
Other names: p.Gly283Arg; c.751+300G>A (NM_002136.4); short protein forms G283R.
Identifiers: ClinVar variation 4541720 (VCV004541720.1).